The following is an entry in ClinVar:

ClinVar aggregate classification (germline): Uncertain significance (1 of 4 stars; one submission).

Conditions:
Hereditary cancer-predisposing syndrome. Also called: Neoplastic Syndromes, Hereditary; Tumor predisposition; Hereditary Cancer Syndrome; Hereditary neoplastic syndrome. Identifiers: Orphanet 140162, MedGen C0027672, MeSH D009386, MONDO:0015356.

Submission:

Ambry Genetics
Classification: Uncertain significance for Hereditary cancer-predisposing syndrome. Last evaluated: 2025-10-14. Review status: criteria provided, single submitter. Criteria: Ambry Variant Classification Scheme 2023. Collection method: clinical testing. Allele origin: germline.
Comment: The p.F30V variant (also known as c.88T>G), located in coding exon 1 of the CDC73 gene, results from a T to G substitution at nucleotide position 88. The phenylalanine at codon 30 is replaced by valine, an amino acid with highly similar properties. This amino acid position is conserved. In addition, this alteration is predicted to be deleterious by in silico analysis. Based on the available evidence, the clinical significance of this variant remains unclear.

NM_024529.5(CDC73):c.88T>G (p.Phe30Val)

Gene: CDC73 (cell division cycle 73; plus strand). Cytogenetic location: 1q31.2.
Variant type: single nucleotide variant.
Coding change: c.88T>G on transcript NM_024529.5 (MANE Select); coding-DNA position 88, T replaced by G.
Protein change: p.Phe30Val; replaces phenylalanine 30 with valine.
Molecular consequence: missense variant.
Genome position (GRCh38, 1-based): chr1:193,122,288, T>G. VCF-style: chr1-193122288-T-G. GRCh37 (hg19) VCF-style: chr1-193091418-T-G.
Other names: short protein forms F30V.
Identifiers: ClinVar variation 4631552 (VCV004631552.1).
Genomic context (GRCh38, chr1:193,122,288, plus strand): 5'-CAGTACAACATCCAGAAGAAGGAGATTGTGGTGAAGGGAGACGAAGTGATCTTCGGGGAG[T>G]TCTCCTGGCCCAAGAATGTGAAGACCAACTATGTTGTTTGGGGGTAAGTCCGGCATGGCT-3'
Protein context (NP_078805.3, residues 20-40): VKGDEVIFGE[Phe30Val]SWPKNVKTNY